The following is an entry in ClinVar:

ClinVar aggregate classification (germline): Likely pathogenic (1 of 4 stars; one submission).

Conditions:
Hereditary factor VIII deficiency disease (HEMA). Also called: AUTOSOMAL HEMOPHILIA A; Hemophilia A; HEMOPHILIA, CLASSIC; Hemophilia A, congenital; HEM A; Factor 8 deficiency, congenital. Identifiers: Orphanet 98878, MedGen C0019069, MONDO:0010602, OMIM 306700.

Allele frequency attached by ClinVar (database versions not stated): gnomAD exomes below 0.00001.
gnomAD v4.1: 1 of 1,211,378 alleles (0.000083%); highest among the groups gnomAD compares: South Asian, 0.0018%; no homozygotes.

Submission:

ARUP Laboratories, Molecular Genetics and Genomics, ARUP Laboratories
Classification: Likely pathogenic for Hereditary factor VIII deficiency disease. Last evaluated: 2018-08-06. Review status: criteria provided, single submitter. Criteria: ARUP Molecular Germline Variant Investigation Process. Collection method: clinical testing. Allele origin: germline.
Comment: The F8 c.6296T>A; p.Ile2099Asn variant, also known as Ile2080Asn, is reported in individuals with Hemophilia A (see F8 database, Rydz 2013). This variant is absent from general population databases (1000 Genomes Project, Exome Variant Server, and Genome Aggregation Database), indicating it is not a common polymorphism. The isoleucine at codon 2099 is highly conserved, and computational analyses (SIFT, PolyPhen-2) predict this variant is deleterious. Based on available information, this variant is considered to be likely pathogenic. REFERENCES F8 Variant Database link: Rydz N et al. The Canadian National Program for hemophilia mutation testing" database: a ten-year review. Am J Hematol. 2013 Dec;88(12):1030-4. "

NM_000132.4(F8):c.6296T>A (p.Ile2099Asn)

Gene: F8 (coagulation factor VIII; minus strand). Cytogenetic location: Xq28.
Variant type: single nucleotide variant.
Coding change: c.6296T>A on transcript NM_000132.4 (MANE Select); coding-DNA position 6296, T replaced by A.
Protein change: p.Ile2099Asn; replaces isoleucine 2099 with asparagine.
Molecular consequence: missense variant.
Genome position (GRCh38, 1-based): chrX:154,896,210, A>T on the plus strand (T>A on the coding strand, the complement: F8 is on the minus strand). VCF-style: chrX-154896210-A-T. GRCh37 (hg19) VCF-style: chrX-154124485-A-T.
Other names: short protein forms I2099N.
Identifiers: ClinVar variation 811732 (VCV000811732.8), dbSNP rs1603432784, ClinGen allele CA414900273.